The following is an entry in ClinVar:

NM_033026.6(PCLO):c.4867G>A (p.Ala1623Thr)

Gene: PCLO (piccolo presynaptic cytomatrix protein; minus strand). Cytogenetic location: 7q21.11.
Variant type: single nucleotide variant.
Coding change: c.4867G>A on transcript NM_033026.6 (MANE Select); coding-DNA position 4867, G replaced by A.
Protein change: p.Ala1623Thr; replaces alanine 1623 with threonine.
Molecular consequence: missense variant.
Genome position (GRCh38, 1-based): chr7:82,956,086, C>T on the plus strand (G>A on the coding strand, the complement: PCLO is on the minus strand). VCF-style: chr7-82956086-C-T. GRCh37 (hg19) VCF-style: chr7-82585402-C-T.
Other names: c.4867G>A, p.Ala1623Thr (NM_014510.3); short protein forms A1623T.
Identifiers: ClinVar variation 2111535 (VCV002111535.4), dbSNP rs866989104, ClinGen allele CA161150743.

ClinVar aggregate classification (germline): Uncertain significance (1 of 4 stars; one submission).

gnomAD v4.1: 2 of 1,611,514 alleles (0.00012%); highest among the groups gnomAD compares: Non-Finnish European, 0.00017%; no homozygotes.

Submission:

Labcorp Genetics (formerly Invitae), Labcorp
Classification: Uncertain significance. Last evaluated: 2022-06-12. Review status: criteria provided, single submitter. Criteria: Invitae Variant Classification Sherloc (09022015). Collection method: clinical testing. Allele origin: germline.
Comment: This variant is not present in population databases (gnomAD no frequency). In summary, the available evidence is currently insufficient to determine the role of this variant in disease. Therefore, it has been classified as a Variant of Uncertain Significance. Algorithms developed to predict the effect of missense changes on protein structure and function output the following: SIFT: "Deleterious"; PolyPhen-2: "Not Available"; Align-GVGD: "Class C0". The threonine amino acid residue is found in multiple mammalian species, which suggests that this missense change does not adversely affect protein function. This variant has not been reported in the literature in individuals affected with PCLO-related conditions. This sequence change replaces alanine, which is neutral and non-polar, with threonine, which is neutral and polar, at codon 1623 of the PCLO protein (p.Ala1623Thr).